The following is an entry in ClinVar:

ClinVar aggregate classification (germline): Pathogenic (1 of 4 stars; one submission).

Conditions:
Cardiovascular phenotype. Identifiers: MedGen CN230736.
Hereditary cancer-predisposing syndrome. Also called: Hereditary Cancer Syndrome; Hereditary neoplastic syndrome; Neoplastic Syndromes, Hereditary; Tumor predisposition. Identifiers: Orphanet 140162, MedGen C0027672, MeSH D009386, MONDO:0015356.

Submission:

Ambry Genetics
Classification: Pathogenic for Cardiovascular phenotype; Hereditary cancer-predisposing syndrome. Last evaluated: 2021-02-22. Review status: criteria provided, single submitter. Criteria: Ambry Variant Classification Scheme 2023. Collection method: clinical testing. Allele origin: germline.
Comment: The c.443delA pathogenic mutation, located in coding exon 4 of the NF1 gene, results from a deletion of one nucleotide at nucleotide position 443, causing a translational frameshift with a predicted alternate stop codon (p.N148Tfs*17). This alteration is expected to result in loss of function by premature protein truncation or nonsense-mediated mRNA decay. As such, this alteration is interpreted as a disease-causing mutation.

NM_001042492.3(NF1):c.443del (p.Asn148fs)

Gene: NF1 (neurofibromin 1; plus strand). Cytogenetic location: 17q11.2.
Variant type: Deletion.
Coding change: c.443del on transcript NM_001042492.3 (MANE Select); coding-DNA position 443, one base deleted (A; older notation c.443delA).
Protein change: p.Asn148fs; shifts the reading frame from asparagine 148.
Molecular consequence: frameshift variant.
Genome position (GRCh38, 1-based): chr17:31,163,340, A deleted; the last of 2 consecutive A bases (chr17:31,163,339-31,163,340); deleting either gives the same sequence. VCF-style (leftmost placement, unchanged base first): chr17-31163338-CA-C. GRCh37 (hg19) VCF-style: chr17-29490356-CA-C.
Other names: c.443delA (NM_000267.3); c.443delA, p.Asn148Thrfs (NM_000267.4); c.443del, p.Asn148fs (NM_001128147.3); short protein forms N148fs.
Identifiers: ClinVar variation 1740616 (VCV001740616.2), dbSNP rs2544701474, ClinGen allele CA2580092900.